The following is an entry in ClinVar:

ClinVar aggregate classification (germline): Uncertain significance (1 of 4 stars; one submission).

Submission:

Labcorp Genetics (formerly Invitae), Labcorp
Classification: Uncertain significance. Last evaluated: 2024-03-19. Review status: criteria provided, single submitter. Criteria: Invitae Variant Classification Sherloc (09022015). Collection method: clinical testing. Allele origin: germline.
Comment: This sequence change replaces serine, which is neutral and polar, with tyrosine, which is neutral and polar, at codon 154 of the TCF3 protein (p.Ser154Tyr). This variant is not present in population databases (gnomAD no frequency). This variant has not been reported in the literature in individuals affected with TCF3-related conditions. Advanced modeling of protein sequence and biophysical properties (such as structural, functional, and spatial information, amino acid conservation, physicochemical variation, residue mobility, and thermodynamic stability) performed at Invitae indicates that this missense variant is not expected to disrupt TCF3 protein function with a negative predictive value of 80%. In summary, the available evidence is currently insufficient to determine the role of this variant in disease. Therefore, it has been classified as a Variant of Uncertain Significance.

NM_003200.5(TCF3):c.461C>A (p.Ser154Tyr)

Gene: TCF3 (transcription factor 3; minus strand). Cytogenetic location: 19p13.3.
Variant type: single nucleotide variant.
Coding change: c.461C>A on transcript NM_003200.5 (MANE Select); coding-DNA position 461, C replaced by A.
Protein change: p.Ser154Tyr; replaces serine 154 with tyrosine.
Molecular consequence: missense variant.
Genome position (GRCh38, 1-based): chr19:1,625,614, G>T on the plus strand (C>A on the coding strand, the complement: TCF3 is on the minus strand). VCF-style: chr19-1625614-G-T. GRCh37 (hg19) VCF-style: chr19-1625613-G-T.
Other names: c.461C>A, p.Ser154Tyr (NM_001136139.4, NM_001351778.2, NM_001351779.2); short protein forms S154Y.
Identifiers: ClinVar variation 3646784 (VCV003646784.2).
Genomic context (GRCh38, chr19:1,625,614, plus strand): 5'-GCCCCGGCCAGACCCCGCTCACCTAGGCTGCCGTCTGCCGCTCTCCGCCGGGAGCTGCCG[G>T]AGTAGGAGGGGTAGTACTGGGAGGTCCCCTTCATGCCCGAAGGGGACAGGGGCCCGGGGC-3'
Protein context (NP_003191.1, residues 144-164): KGTSQYYPSY[Ser154Tyr]GSSRRRAADG